The following is an entry in ClinVar:

NM_001374736.1(DST):c.15811A>G (p.Met5271Val)

Gene: DST (dystonin; minus strand). Cytogenetic location: 6p12.1.
Variant type: single nucleotide variant.
Coding change: c.15811A>G on transcript NM_001374736.1 (MANE Select); coding-DNA position 15811, A replaced by G.
Protein change: p.Met5271Val; replaces methionine 5271 with valine.
Molecular consequence: missense variant.
Genome position (GRCh38, 1-based): chr6:56,552,981, T>C on the plus strand (A>G on the coding strand, the complement: DST is on the minus strand). VCF-style: chr6-56552981-T-C. GRCh37 (hg19) VCF-style: chr6-56417779-T-C.
Other names: c.9454A>G, p.Met3152Val (NM_001144769.5); c.9040A>G, p.Met3014Val (NM_001144770.2); c.15811A>G, p.Met5271Val (NM_001374722.1); c.15178A>G, p.Met5060Val (NM_001374729.1); c.8920A>G, p.Met2974Val (NM_001374730.1, NM_001386100.1, NM_183380.4); c.15838A>G, p.Met5280Val (NM_001374734.1); c.7942A>G, p.Met2648Val (NM_015548.5); short protein forms M2648V, M3014V, M3152V, M5280V, M2974V, M5060V, M5271V.
Identifiers: ClinVar variation 1767003 (VCV001767003.2), dbSNP rs2097346367, ClinGen allele CA364515889.

ClinVar aggregate classification (germline): Uncertain significance (1 of 4 stars; one submission).

Conditions:
Inborn genetic diseases. Identifiers: MedGen C0950123, MeSH D030342.

Allele frequency attached by ClinVar (database versions not stated): gnomAD exomes below 0.00001; gnomAD 0.00001.
gnomAD v4.1: 3 of 1,613,892 alleles (0.00019%); highest among the groups gnomAD compares: Non-Finnish European, 0.00017%; no homozygotes.

Submission:

Ambry Genetics
Classification: Uncertain significance for Inborn genetic diseases. Last evaluated: 2021-05-19. Review status: criteria provided, single submitter. Criteria: Ambry Variant Classification Scheme 2023. Collection method: clinical testing. Allele origin: germline.
Comment: The p.M3152V variant (also known as c.9454A>G), located in coding exon 55 of the DST gene, results from an A to G substitution at nucleotide position 9454. The methionine at codon 3152 is replaced by valine, an amino acid with highly similar properties. This amino acid position is not well conserved in available vertebrate species. In addition, this alteration is predicted to be tolerated by in silico analysis. Since supporting evidence is limited at this time, the clinical significance of this alteration remains unclear.